The following is an entry in ClinVar:

NM_032383.5(HPS3):c.89_114del (p.Arg30fs)

Gene: HPS3 (HPS3 biogenesis of lysosomal organelles complex 2 subunit 1; plus strand). Cytogenetic location: 3q24.
Variant type: Deletion.
Coding change: c.89_114del on transcript NM_032383.5 (MANE Select); coding-DNA positions 89 to 114, 26 bases deleted (GTGACGCGCTTTTCGTGGCGGCGGGC).
Protein change: p.Arg30fs; shifts the reading frame from arginine 30.
Molecular consequence: frameshift variant.
Genome position (GRCh38, 1-based): chr3:149,129,812-149,129,837, GTGACGCGCTTTTCGTGGCGGCGGGC deleted; deleting any 26 consecutive bases within chr3:149,129,808-149,129,837 gives the same sequence; the c. name uses the placement nearest the transcript's 3' end. VCF-style (leftmost placement, unchanged base first): chr3-149129807-GGGGCGTGACGCGCTTTTCGTGGCGGC-G. GRCh37 (hg19) VCF-style: chr3-148847594-GGGGCGTGACGCGCTTTTCGTGGCGGC-G.
Other names: c.89_114del, p.Arg30fs (NM_001308258.2); short protein forms R30fs.
Identifiers: ClinVar variation 556558 (VCV000556558.9), dbSNP rs1553750083, ClinGen allele CA658822358.

ClinVar aggregate classification (germline): Pathogenic. Review status: criteria provided, single submitter (1 of 4 stars). 2 submissions from 2 submitters: Pathogenic (1). 1 of the submissions does not count toward it. Last evaluated 2023-02-15.

Conditions:
Hermansky-Pudlak syndrome 3 (HPS3). Identifiers: Orphanet 231512, Orphanet 79430, MedGen C3888001, MONDO:0013555, OMIM 614072.

Submissions (2):

Labcorp Genetics (formerly Invitae), Labcorp
Classification: Pathogenic. Last evaluated: 2023-02-15. Review status: criteria provided, single submitter. Criteria: Invitae Variant Classification Sherloc (09022015). Collection method: clinical testing. Allele origin: germline.
Comment: This sequence change creates a premature translational stop signal (p.Arg30Leufs*42) in the HPS3 gene. It is expected to result in an absent or disrupted protein product. Loss-of-function variants in HPS3 are known to be pathogenic (PMID: 11590544). This variant is not present in population databases (gnomAD no frequency). This variant has not been reported in the literature in individuals affected with HPS3-related conditions. ClinVar contains an entry for this variant (Variation ID: 556558). For these reasons, this variant has been classified as Pathogenic.

Counsyl
Classification: Likely pathogenic for Hermansky-Pudlak syndrome 3. Last evaluated: 2018-02-06. Review status: no assertion criteria provided. Collection method: clinical testing. Allele origin: unknown. Not counted in ClinVar's aggregate classification.

Literature cited by the submitters: PubMed 11590544 (cited by Labcorp Genetics (formerly Invitae), Labcorp).